The following is an entry in ClinVar:

ClinVar aggregate classification (germline): Uncertain significance. Review status: criteria provided, multiple submitters, no conflicts (2 of 4 stars). 2 submissions from 2 submitters: Uncertain significance (2). Last evaluated 2024-09-29.

Conditions:
Benign neonatal seizures. Also called: Benign familial neonatal epilepsy; Benign familial neonatal seizures; Convulsions benign familial neonatal dominant form; Autosomal dominant form of benign neonatal seizures; Benign neonatal familial convulsions. Identifiers: Orphanet 1949, MedGen C0220669, MONDO:0016027.

gnomAD v4.1: 2 of 1,614,074 alleles (0.00012%); highest among the groups gnomAD compares: Non-Finnish European, 0.00017%; no homozygotes.

Submissions (2):

Labcorp Genetics (formerly Invitae), Labcorp
Classification: Uncertain significance for Benign neonatal seizures. Last evaluated: 2024-09-29. Review status: criteria provided, single submitter. Criteria: Invitae Variant Classification Sherloc (09022015). Collection method: clinical testing. Allele origin: germline.
Comment: This sequence change replaces proline, which is neutral and non-polar, with glutamine, which is neutral and polar, at codon 695 of the KCNQ3 protein (p.Pro695Gln). This variant is not present in population databases (gnomAD no frequency). This variant has not been reported in the literature in individuals affected with KCNQ3-related conditions. Invitae Evidence Modeling of protein sequence and biophysical properties (such as structural, functional, and spatial information, amino acid conservation, physicochemical variation, residue mobility, and thermodynamic stability) indicates that this missense variant is not expected to disrupt KCNQ3 protein function with a negative predictive value of 95%. In summary, the available evidence is currently insufficient to determine the role of this variant in disease. Therefore, it has been classified as a Variant of Uncertain Significance.

GeneDx
Classification: Uncertain significance. Last evaluated: 2024-01-07. Review status: criteria provided, single submitter. Criteria: GeneDx Variant Classification Process June 2021. Collection method: clinical testing. Allele origin: germline. Affected: yes.
Comment: Not observed at significant frequency in large population cohorts (gnomAD); In silico analysis supports that this missense variant does not alter protein structure/function; Has not been previously published as pathogenic or benign to our knowledge

NM_004519.4(KCNQ3):c.2084C>A (p.Pro695Gln)

Gene: KCNQ3 (potassium voltage-gated channel subfamily Q member 3; minus strand). Cytogenetic location: 8q24.22.
Variant type: single nucleotide variant.
Coding change: c.2084C>A on transcript NM_004519.4 (MANE Select); coding-DNA position 2084, C replaced by A.
Protein change: p.Pro695Gln; replaces proline 695 with glutamine.
Molecular consequence: missense variant.
Genome position (GRCh38, 1-based): chr8:132,129,797, G>T on the plus strand (C>A on the coding strand, the complement: KCNQ3 is on the minus strand). VCF-style: chr8-132129797-G-T. GRCh37 (hg19) VCF-style: chr8-133142044-G-T.
Other names: c.1724C>A, p.Pro575Gln (NM_001204824.2); short protein forms P575Q, P695Q.
Identifiers: ClinVar variation 3367510 (VCV003367510.3).